The following is an entry in ClinVar:

NM_002474.3(MYH11):c.5194C>T (p.Arg1732Cys)

Genes: MYH11 (myosin heavy chain 11; minus strand), NDE1 (nudE neurodevelopment protein 1; plus strand). Cytogenetic location: 16p13.11.
Variant type: single nucleotide variant.
Coding change: c.5194C>T on transcript NM_002474.3 (MANE Select); coding-DNA position 5194, C replaced by T.
Protein change: p.Arg1732Cys; replaces arginine 1732 with cysteine.
Molecular consequence: missense variant. On other transcripts: intron variant (2).
Genome position (GRCh38, 1-based): chr16:15,718,416, G>A on the plus strand (C>T on the coding strand, the complement: MYH11 is on the minus strand). VCF-style: chr16-15718416-G-A. GRCh37 (hg19) VCF-style: chr16-15812273-G-A.
Other names: c.5215C>T, p.Arg1739Cys (NM_001040113.2, NM_001040114.2); c.5194C>T, p.Arg1732Cys (NM_022844.3); c.948-5775G>A (NM_001143979.2, NM_017668.3); short protein forms R1739C, R1732C.
Identifiers: ClinVar variation 5009160 (VCV005009160.1).
Genomic context (GRCh38, chr16:15,718,416, plus strand): 5'-TGTTGCCCTGCTCCTCCTCCAGCTCCTCCTCCAGCTGGGCGATCCGGGCCTCCAGGCGGC[G>A]CTTCTCGTCCTGGAGTGCGTTCCTGGGGGAAGGGCGGCCATGGTGGGGGCCTCTACCCTC-3'
Protein context (NP_002465.1, residues 1722-1742): SGRNALQDEK[Arg1732Cys]RLEARIAQLE

ClinVar aggregate classification (germline): Uncertain significance (1 of 4 stars; one submission).

gnomAD v4.1: 8 of 1,582,290 alleles (0.00051%); highest among the groups gnomAD compares: East Asian, 0.0023%; no homozygotes.

Submission:

GeneDx
Classification: Uncertain significance. Last evaluated: 2026-02-14. Review status: criteria provided, single submitter. Criteria: GeneDx Variant Classification Process June 2021. Collection method: clinical testing. Allele origin: germline.
Comment: In silico analysis supports that this missense variant has a deleterious effect on protein structure/function; Has not been previously published as pathogenic or benign to our knowledge